The following is an entry in ClinVar:

NM_000180.4(GUCY2D):c.112C>T (p.Leu38Phe)

Gene: GUCY2D (guanylate cyclase 2D, retinal; plus strand). Cytogenetic location: 17p13.1.
Variant type: single nucleotide variant.
Coding change: c.112C>T on transcript NM_000180.4 (MANE Select); coding-DNA position 112, C replaced by T.
Protein change: p.Leu38Phe; replaces leucine 38 with phenylalanine.
Molecular consequence: missense variant.
Genome position (GRCh38, 1-based): chr17:8,003,159, C>T. VCF-style: chr17-8003159-C-T. GRCh37 (hg19) VCF-style: chr17-7906477-C-T.
Other names: short protein forms L38F.
Identifiers: ClinVar variation 2923118 (VCV002923118.5), dbSNP rs1342972910, ClinGen allele CA397942776.

ClinVar aggregate classification (germline): Uncertain significance. Review status: criteria provided, multiple submitters, no conflicts (2 of 4 stars). 2 submissions from 2 submitters: Uncertain significance (2). Last evaluated 2025-01-10.

Conditions:
Cone-rod dystrophy 6 (CORD6). Also called: RETINAL CONE DYSTROPHY 2; Cone dystrophy progressive. Identifiers: Orphanet 1872, MedGen C1866293, MONDO:0011143, OMIM 601777.
Leber congenital amaurosis 1 (LCA1). Also called: AMAUROSIS CONGENITA OF LEBER I; RETINAL BLINDNESS, CONGENITAL; Congenital absence of the rods and cones; Leber's congenital tapetoretinal degeneration; Leber's congenital tapetoretinal dysplasia. Identifiers: Orphanet 65, MedGen C2931258, MONDO:0008764, OMIM 204000.

Submissions (2):

Dasa
Classification: Uncertain significance. Last evaluated: 2025-01-10. Review status: criteria provided, single submitter. Criteria: DASA Assertion Criteria. Collection method: clinical testing. Allele origin: germline.
Comment: NM_000180.4(GUCY2D):c.112C>T (p.Leu38Phe) is a missense variant that results in the substitution of leucine with phenylalanine. This variant is rare in population databases. Computational prediction algorithms are consistent with a benign effect. The currently available literature and clinical evidence are not sufficient to establish a definitive association between this variant and the reported condition. Therefore, this variant is classified as a variant of uncertain significance.

Labcorp Genetics (formerly Invitae), Labcorp
Classification: Uncertain significance for Leber congenital amaurosis 1; Cone-rod dystrophy 6. Last evaluated: 2022-12-03. Review status: criteria provided, single submitter. Criteria: Invitae Variant Classification Sherloc (09022015). Collection method: clinical testing. Allele origin: germline.
Comment: In summary, the available evidence is currently insufficient to determine the role of this variant in disease. Therefore, it has been classified as a Variant of Uncertain Significance. Advanced modeling of protein sequence and biophysical properties (such as structural, functional, and spatial information, amino acid conservation, physicochemical variation, residue mobility, and thermodynamic stability) performed at Invitae indicates that this missense variant is not expected to disrupt GUCY2D protein function. This variant has not been reported in the literature in individuals affected with GUCY2D-related conditions. This variant is not present in population databases (gnomAD no frequency). This sequence change replaces leucine, which is neutral and non-polar, with phenylalanine, which is neutral and non-polar, at codon 38 of the GUCY2D protein (p.Leu38Phe).